The following is an entry in ClinVar:

NM_004082.5(DCTN1):c.33+3A>G

Gene: DCTN1 (dynactin subunit 1; minus strand). Cytogenetic location: 2p13.1.
Variant type: single nucleotide variant.
Coding change: c.33+3A>G on transcript NM_004082.5 (MANE Select); 3 bases into the intron after coding-DNA position 33, A replaced by G.
Molecular consequence: intron variant.
Genome position (GRCh38, 1-based): chr2:74,380,002, T>C on the plus strand (A>G on the coding strand, the complement: DCTN1 is on the minus strand). VCF-style: chr2-74380002-T-C. GRCh37 (hg19) VCF-style: chr2-74607129-T-C.
Other names: c.-18-1757A>G (NM_001190836.2, NM_001378992.1, NM_001378991.1); c.33+3A>G (NM_001135040.3, NM_001190837.2).
Identifiers: ClinVar variation 947814 (VCV000947814.10), dbSNP rs1397714640, ClinGen allele CA533711463.

ClinVar aggregate classification (germline): Uncertain significance. Review status: criteria provided, multiple submitters, no conflicts (2 of 4 stars). 2 submissions from 2 submitters: Uncertain significance (2). Last evaluated 2020-11-19.

Conditions:
Inborn genetic diseases. Identifiers: MedGen C0950123, MeSH D030342.
Neuronopathy, distal hereditary motor, type 7B. Also called: Distal Hereditary Motor Neuronopathy Type 7B (dHMN7B); HMN VIIB; NEURONOPATHY, DISTAL HEREDITARY MOTOR, AUTOSOMAL DOMINANT 14; NEURONOPATHY, DISTAL HEREDITARY MOTOR, HARDING TYPE VIIB; NEUROPATHY, DISTAL HEREDITARY MOTOR, HARDING TYPE VIIB; NEUROPATHY, DISTAL HEREDITARY MOTOR, WITH VOCAL CORD PARALYSIS, HARDING TYPE VIIB. Identifiers: Orphanet 139589, MedGen C1843315, MONDO:0011879, OMIM 607641.
Amyotrophic lateral sclerosis type 1 (ALS1). Also called: AMYOTROPHIC LATERAL SCLEROSIS 1, FAMILIAL. Identifiers: Orphanet 803, MedGen C1862939, MONDO:0007103, OMIM 105400.
Perry syndrome. Also called: PARKINSONISM WITH ALVEOLAR HYPOVENTILATION AND MENTAL DEPRESSION. Identifiers: Orphanet 178509, MedGen C1868594, MONDO:0008201, OMIM 168605.

Allele frequency attached by ClinVar (database versions not stated): gnomAD exomes below 0.00001; TOPMed 0.00002; gnomAD 0.00003.
gnomAD v4.1: 5 of 1,614,010 alleles (0.00031%); highest among the groups gnomAD compares: African/African-American, 0.0067%; no homozygotes.

Submissions (2):

Ambry Genetics
Classification: Uncertain significance for Inborn genetic diseases. Last evaluated: 2020-11-19. Review status: criteria provided, single submitter. Criteria: Ambry Variant Classification Scheme 2023. Collection method: clinical testing. Allele origin: germline.
Comment: The c.33+3A>G intronic variant results from an A to G substitution 3 nucleotides after coding exon 1 in the DCTN1 gene. This nucleotide position is highly conserved in available vertebrate species. In silico splice site analysis for this alteration is inconclusive. Since supporting evidence is limited at this time, the clinical significance of this alteration remains unclear.

Labcorp Genetics (formerly Invitae), Labcorp
Classification: Uncertain significance for Amyotrophic lateral sclerosis type 1; Neuronopathy, distal hereditary motor, type 7B; Perry syndrome. Last evaluated: 2019-06-25. Review status: criteria provided, single submitter. Criteria: Invitae Variant Classification Sherloc (09022015). Collection method: clinical testing. Allele origin: germline.
Comment: In summary, the available evidence is currently insufficient to determine the role of this variant in disease. Therefore, it has been classified as a Variant of Uncertain Significance. Nucleotide substitutions within the consensus splice site are a relatively common cause of aberrant splicing (PMID: 17576681, 9536098). Algorithms developed to predict the effect of sequence changes on RNA splicing suggest that this variant is not likely to affect RNA splicing, but this prediction has not been confirmed by published transcriptional studies. This sequence change falls in intron 1 of the DCTN1 gene. It does not directly change the encoded amino acid sequence of the DCTN1 protein, but it affects a nucleotide within the consensus splice site of the intron. This variant is not present in population databases (ExAC no frequency). This variant has not been reported in the literature in individuals with DCTN1-related conditions.

Literature cited by the submitters: PubMed 17576681 (cited by Labcorp Genetics (formerly Invitae), Labcorp); PubMed 9536098 (cited by Labcorp Genetics (formerly Invitae), Labcorp).